The following is an entry in ClinVar:

NM_012145.4(DTYMK):c.189G>A (p.Val63=)

Gene: DTYMK (deoxythymidylate kinase; minus strand). Cytogenetic location: 2q37.3.
Variant type: single nucleotide variant.
Coding change: c.189G>A on transcript NM_012145.4 (MANE Select); coding-DNA position 189, G replaced by A.
Protein change: p.Val63=; no amino-acid change (valine 63 retained).
Molecular consequence: synonymous variant. On other transcripts: non-coding transcript variant (2).
Genome position (GRCh38, 1-based): chr2:241,685,819, C>T on the plus strand (G>A on the coding strand, the complement: DTYMK is on the minus strand). VCF-style: chr2-241685819-C-T. GRCh37 (hg19) VCF-style: chr2-242625234-C-T.
Other names: c.189G>A, p.Val63= (NM_001165031.2, NM_001320902.2, NM_001320903.2 and 2 more transcripts).
Identifiers: ClinVar variation 3389084 (VCV003389084.14).

ClinVar aggregate classification (germline): Likely benign (1 of 4 stars; one submission).

gnomAD v4.1: 5 of 1,614,214 alleles (0.00031%); highest among the groups gnomAD compares: Non-Finnish European, 0.00042%; no homozygotes.

Submission:

CeGaT Center for Human Genetics Tuebingen
Classification: Likely benign. Last evaluated: 2024-10-01. Review status: criteria provided, single submitter. Criteria: CeGaT Center For Human Genetics Tuebingen Variant Classification Criteria Version 2. Collection method: clinical testing. Allele origin: germline. Affected: yes. Observed: 1 variant allele.
Comment: DTYMK: BP4, BP7